The following is an entry in ClinVar:

ClinVar aggregate classification (germline): Uncertain significance (1 of 4 stars; one submission).

Conditions:
Neurodevelopmental disorder with or without hyperkinetic movements and seizures, autosomal dominant. Also called: Intellectual disability, autosomal dominant 8. Identifiers: MedGen C3280282, MONDO:0013655, OMIM 614254.

Submission:

Labcorp Genetics (formerly Invitae), Labcorp
Classification: Uncertain significance for Neurodevelopmental disorder with or without hyperkinetic movements and seizures, autosomal dominant. Last evaluated: 2021-12-27. Review status: criteria provided, single submitter. Criteria: Invitae Variant Classification Sherloc (09022015). Collection method: clinical testing. Allele origin: germline.
Comment: This sequence change replaces cysteine, which is neutral and slightly polar, with tryptophan, which is neutral and slightly polar, at codon 455 of the GRIN1 protein (p.Cys455Trp). This variant is not present in population databases (gnomAD no frequency). Algorithms developed to predict the effect of sequence changes on RNA splicing suggest that this variant may create or strengthen a splice site. In summary, the available evidence is currently insufficient to determine the role of this variant in disease. Therefore, it has been classified as a Variant of Uncertain Significance. Advanced modeling of protein sequence and biophysical properties (such as structural, functional, and spatial information, amino acid conservation, physicochemical variation, residue mobility, and thermodynamic stability) performed at Invitae indicates that this missense variant is expected to disrupt GRIN1 protein function. This variant has not been reported in the literature in individuals affected with GRIN1-related conditions.

NM_007327.4(GRIN1):c.1365C>G (p.Cys455Trp)

Gene: GRIN1 (glutamate ionotropic receptor NMDA type subunit 1; plus strand). Cytogenetic location: 9q34.3.
Variant type: single nucleotide variant.
Coding change: c.1365C>G on transcript NM_007327.4 (MANE Select); coding-DNA position 1365, C replaced by G.
Protein change: p.Cys455Trp; replaces cysteine 455 with tryptophan.
Molecular consequence: missense variant.
Genome position (GRCh38, 1-based): chr9:137,161,314, C>G. VCF-style: chr9-137161314-C-G. GRCh37 (hg19) VCF-style: chr9-140055766-C-G.
Other names: c.1365C>G, p.Cys455Trp (NM_000832.7, NM_021569.4); c.1428C>G, p.Cys476Trp (NM_001185090.2, NM_001185091.2); short protein forms C455W, C476W.
Identifiers: ClinVar variation 2062163 (VCV002062163.4), dbSNP rs1588727892, ClinGen allele CA375716475.